The following is an entry in ClinVar:

ClinVar aggregate classification (germline): Uncertain significance. Review status: criteria provided, multiple submitters, no conflicts (2 of 4 stars). 3 submissions from 3 submitters: Uncertain significance (3). Last evaluated 2025-11-15.

Conditions:
Inborn genetic diseases. Identifiers: MedGen C0950123, MeSH D030342.
Nephronophthisis. Also called: Juvenile Nephronophthisis. Identifiers: Orphanet 655, MedGen C0687120, MONDO:0019005, HP:0000090.
Infantile nephronophthisis (NPHP2). Also called: Nephronophthisis 2; Nephronophthisis 2, infantile. Identifiers: Orphanet 655, Orphanet 93591, MedGen C1865872, MONDO:0011190, OMIM 602088.

Allele frequency attached by ClinVar (database versions not stated): TOPMed below 0.00001; gnomAD exomes 0.00001.
gnomAD v4.1: 10 of 1,614,184 alleles (0.00062%); highest among the groups gnomAD compares: African/African-American, 0.0013%; no homozygotes.

Submissions (3):

Labcorp Genetics (formerly Invitae), Labcorp
Classification: Uncertain significance for Nephronophthisis. Last evaluated: 2025-11-15. Review status: criteria provided, single submitter. Criteria: Invitae Variant Classification Sherloc (09022015). Collection method: clinical testing. Allele origin: germline.
Comment: This sequence change replaces proline, which is neutral and non-polar, with leucine, which is neutral and non-polar, at codon 784 of the INVS protein (p.Pro784Leu). This variant is not present in population databases (gnomAD no frequency). This variant has not been reported in the literature in individuals affected with INVS-related conditions. ClinVar contains an entry for this variant (Variation ID: 951064). An algorithm developed to predict the effect of missense changes on protein structure and function (PolyPhen-2) suggests that this variant is likely to be tolerated. In summary, the available evidence is currently insufficient to determine the role of this variant in disease. Therefore, it has been classified as a Variant of Uncertain Significance.

Ambry Genetics
Classification: Uncertain significance for Inborn genetic diseases. Last evaluated: 2025-07-31. Review status: criteria provided, single submitter. Criteria: Ambry Variant Classification Scheme 2023. Collection method: clinical testing. Allele origin: germline.

Fulgent Genetics
Classification: Uncertain significance for Infantile nephronophthisis. Last evaluated: 2024-04-16. Review status: criteria provided, single submitter. Criteria: ACMG Guidelines, 2015. Collection method: clinical testing. Allele origin: germline.

NM_014425.5(INVS):c.2351C>T (p.Pro784Leu)

Gene: INVS (inversin; plus strand). Cytogenetic location: 9q31.1.
Variant type: single nucleotide variant.
Coding change: c.2351C>T on transcript NM_014425.5 (MANE Select); coding-DNA position 2351, C replaced by T.
Protein change: p.Pro784Leu; replaces proline 784 with leucine.
Molecular consequence: missense variant. On other transcripts: non-coding transcript variant (1).
Genome position (GRCh38, 1-based): chr9:100,292,608, C>T. VCF-style: chr9-100292608-C-T. GRCh37 (hg19) VCF-style: chr9-103054890-C-T.
Other names: c.2063C>T, p.Pro688Leu (NM_001318381.2); c.1373C>T, p.Pro458Leu (NM_001318382.2); c.2351C>T (NM_014425.2); short protein forms P458L, P688L, P784L.
Identifiers: ClinVar variation 951064 (VCV000951064.10), dbSNP rs1401794025, ClinGen allele CA374243034.